The following is an entry in ClinVar:

NM_025137.4(SPG11):c.1187A>G (p.Tyr396Cys)

Gene: SPG11 (SPG11 vesicle trafficking associated, spatacsin; minus strand). Cytogenetic location: 15q21.1.
Variant type: single nucleotide variant.
Coding change: c.1187A>G on transcript NM_025137.4 (MANE Select); coding-DNA position 1187, A replaced by G.
Protein change: p.Tyr396Cys; replaces tyrosine 396 with cysteine.
Molecular consequence: missense variant.
Genome position (GRCh38, 1-based): chr15:44,651,760, T>C on the plus strand (A>G on the coding strand, the complement: SPG11 is on the minus strand). VCF-style: chr15-44651760-T-C. GRCh37 (hg19) VCF-style: chr15-44943958-T-C.
Other names: c.1187A>G, p.Tyr396Cys (NM_001160227.2); short protein forms Y396C.
Identifiers: ClinVar variation 466503 (VCV000466503.22), dbSNP rs3759875, ClinGen allele CA7535595.

ClinVar aggregate classification (germline): Benign/Likely benign. Review status: criteria provided, multiple submitters, no conflicts (2 of 4 stars). 9 submissions from 7 submitters: Benign (1); Likely benign (8). Last evaluated 2026-04-14.

Conditions:
SPG11-related disorder. Also called: SPG11-related condition.
Charcot-Marie-Tooth disease axonal type 2X. Also called: CHARCOT-MARIE-TOOTH DISEASE, AXONAL, AUTOSOMAL RECESSIVE, TYPE 2X; CHARCOT-MARIE-TOOTH NEUROPATHY, TYPE 2X. Identifiers: Orphanet 466775, MedGen C5569024, MONDO:0014726, OMIM 616668.
Inborn genetic diseases. Identifiers: MedGen C0950123, MeSH D030342.
Amyotrophic lateral sclerosis type 5 (ALS5). Also called: AMYOTROPHIC LATERAL SCLEROSIS 5, JUVENILE. Identifiers: Orphanet 300605, MedGen C1865864, MONDO:0011196, OMIM 602099.
Hereditary spastic paraplegia 11. Also called: SPASTIC PARAPLEGIA, AUTOSOMAL RECESSIVE, COMPLICATED, WITH THIN CORPUS CALLOSUM; SPASTIC PARAPLEGIA, AUTOSOMAL RECESSIVE, WITH MENTAL IMPAIRMENT AND THIN CORPUS CALLOSUM; Spastic Paraplegia 11; Nakamura Osame syndrome; Autosomal recessive hereditary spastic paraplegia, mental impairment, and thin corpus callosum; Spastic paraplegia, mental retardation and thin corpus callosum. Identifiers: Orphanet 2822, MedGen C1858479, MONDO:0011445, OMIM 604360.

Allele frequency attached by ClinVar (database versions not stated): gnomAD 0.00006; 1000 Genomes Project 0.00140; TOPMed 0.00033; 1000 Genomes Project 30x 0.00109.

Submissions (9):

PreventionGenetics, part of Exact Sciences
Classification: Likely benign for SPG11-related condition. Last evaluated: 2026-04-14. Review status: criteria provided, single submitter. Criteria: ACMG Guidelines, 2015. Collection method: clinical testing. Allele origin: germline.
Comment: This variant is classified as likely benign based on ACMG/AMP sequence variant interpretation guidelines (Richards et al. 2015 PMID: 25741868, with internal and published modifications).

CeGaT Center for Human Genetics Tuebingen
Classification: Likely benign. Last evaluated: 2026-04-01. Review status: criteria provided, single submitter. Criteria: CeGaT Center For Human Genetics Tuebingen Variant Classification Criteria Version 2. Collection method: clinical testing. Allele origin: germline. Affected: yes. Observed: 1 variant allele.
Comment: SPG11: BP4, BS2

Labcorp Genetics (formerly Invitae), Labcorp
Classification: Likely benign for Hereditary spastic paraplegia 11. Last evaluated: 2026-01-21. Review status: criteria provided, single submitter. Criteria: Invitae Variant Classification Sherloc (09022015). Collection method: clinical testing. Allele origin: germline.

Women's Health and Genetics/Laboratory Corporation of America, LabCorp
Classification: Likely benign. Last evaluated: 2025-09-24. Review status: criteria provided, single submitter. Criteria: LabCorp Variant Classification Summary - May 2015. Collection method: clinical testing. Allele origin: germline.
Comment: Variant summary: SPG11 c.1187A>G (p.Tyr396Cys) results in a non-conservative amino acid change in the encoded protein sequence. Algorithms developed to predict the effect of missense changes on protein structure and function are either unavailable or do not agree on the potential impact of this missense change. The variant allele was found at a frequency of 0.00029 in 251390 control chromosomes, predominantly at a frequency of 0.0036 within the East Asian subpopulation in the gnomAD database. The observed variant frequency within East Asian control individuals in the gnomAD database exceeds the estimated maximal expected allele frequency for disease-causing variants in SPG11. The following publications have been ascertained in the context of this evaluation (PMID: 32166880, 37952009). ClinVar contains an entry for this variant (Variation ID: 466503). Based on the evidence outlined above, the variant was classified as likely benign.

Ambry Genetics
Classification: Likely benign for Inborn genetic diseases. Last evaluated: 2019-09-17. Review status: criteria provided, single submitter. Criteria: Ambry Variant Classification Scheme 2023. Collection method: clinical testing. Allele origin: germline.

Illumina Laboratory Services, Illumina
Classification: Benign for Hereditary spastic paraplegia 11. Last evaluated: 2017-04-28. Review status: criteria provided, single submitter. Criteria: ICSL Variant Classification Criteria 13 December 2019. Collection method: clinical testing. Allele origin: germline.
Comment: This variant was observed as part of a predisposition screen in an ostensibly healthy population. A literature search was performed for the gene, cDNA change, and amino acid change (where applicable). No publications were found based on this search. Allele frequency data from public databases was too high to be consistent with this variant causing disease. Therefore, this variant is classified as benign.

Genome-Nilou Lab
Classification: Likely benign for Amyotrophic lateral sclerosis type 5. Review status: criteria provided, single submitter. Criteria: ACMG Guidelines, 2015. Collection method: clinical testing. Allele origin: germline.

Genome-Nilou Lab
Classification: Likely benign for Charcot-Marie-Tooth disease axonal type 2X. Review status: criteria provided, single submitter. Criteria: ACMG Guidelines, 2015. Collection method: clinical testing. Allele origin: germline.

Genome-Nilou Lab
Classification: Likely benign for Hereditary spastic paraplegia 11. Review status: criteria provided, single submitter. Criteria: ACMG Guidelines, 2015. Collection method: clinical testing. Allele origin: germline.

Literature cited by the submitters: PubMed 32166880 (cited by Women's Health and Genetics/Laboratory Corporation of America, LabCorp); PubMed 37952009 (cited by Women's Health and Genetics/Laboratory Corporation of America, LabCorp).